The following is an entry in ClinVar:

NM_003920.5(TIMELESS):c.3435G>A (p.Ala1145=)

Gene: TIMELESS (timeless circadian regulator; minus strand). Cytogenetic location: 12q13.3.
Variant type: single nucleotide variant.
Coding change: c.3435G>A on transcript NM_003920.5 (MANE Select); coding-DNA position 3435, G replaced by A.
Protein change: p.Ala1145=; no amino-acid change (alanine 1145 retained).
Molecular consequence: synonymous variant. On other transcripts: non-coding transcript variant (1).
Genome position (GRCh38, 1-based): chr12:56,418,153, C>T on the plus strand (G>A on the coding strand, the complement: TIMELESS is on the minus strand). VCF-style: chr12-56418153-C-T. GRCh37 (hg19) VCF-style: chr12-56811937-C-T.
Other names: c.3432G>A, p.Ala1144= (NM_001330295.2).
Identifiers: ClinVar variation 786421 (VCV000786421.28), dbSNP rs61937716, ClinGen allele CA6631288.

ClinVar aggregate classification (germline): Benign/Likely benign. Review status: criteria provided, multiple submitters, no conflicts (2 of 4 stars). 3 submissions from 3 submitters: Benign (2); Likely benign (1). Last evaluated 2022-03-01.

Allele frequency attached by ClinVar (database versions not stated): 1000 Genomes Project 30x 0.00250; 1000 Genomes Project 0.00260; ExAC 0.00339; TOPMed 0.00383; gnomAD exomes 0.00397 and 0.00572; gnomAD 0.00425 and 0.00441; ESP Exome Variant Server 0.00592.
gnomAD v4.1: 8,967 of 1,614,200 alleles (0.56%); highest among the groups gnomAD compares: Non-Finnish European, 0.66%; 29 homozygotes.

Submissions (3):

CeGaT Center for Human Genetics Tuebingen
Classification: Likely benign. Last evaluated: 2022-03-01. Review status: criteria provided, single submitter. Criteria: CeGaT Center For Human Genetics Tuebingen Variant Classification Criteria Version 2. Collection method: clinical testing. Allele origin: germline. Affected: yes. Observed: 1 variant allele.
Comment: TIMELESS: BP4, BP7

Labcorp Genetics (formerly Invitae), Labcorp
Classification: Benign. Last evaluated: 2018-01-25. Review status: criteria provided, single submitter. Criteria: Invitae Variant Classification Sherloc (09022015). Collection method: clinical testing. Allele origin: germline.

Breakthrough Genomics
Classification: Benign. Review status: criteria provided, single submitter. Criteria: ACMG Guidelines, 2015. Collection method: not provided. Allele origin: germline. Inheritance: Autosomal dominant inheritance. Affected: yes.